The following is an entry in ClinVar:

ClinVar aggregate classification (germline): Likely benign. Review status: criteria provided, multiple submitters, no conflicts (2 of 4 stars). 2 submissions from 2 submitters: Likely benign (2). Last evaluated 2026-03-31.

Conditions:
SCLT1-related disorder. Also called: SCLT1-related condition.

gnomAD v4.1: 2 of 1,530,824 alleles (0.00013%); highest among the groups gnomAD compares: Non-Finnish European, 0.000089%; no homozygotes.

Submissions (2):

PreventionGenetics, part of Exact Sciences
Classification: Likely benign for SCLT1-related condition. Last evaluated: 2026-03-31. Review status: criteria provided, single submitter. Criteria: ACMG Guidelines, 2015. Collection method: clinical testing. Allele origin: germline.
Comment: This variant is classified as likely benign based on ACMG/AMP sequence variant interpretation guidelines (Richards et al. 2015 PMID: 25741868, with internal and published modifications).

Blueprint Genetics
Classification: Likely benign. Last evaluated: 2022-08-11. Review status: criteria provided, single submitter. Criteria: ACMG Guidelines, 2015. Collection method: clinical testing. Allele origin: germline.

NM_144643.4(SCLT1):c.1140G>A (p.Lys380=)

Gene: SCLT1 (sodium channel and clathrin linker 1; minus strand). Cytogenetic location: 4q28.2.
Variant type: single nucleotide variant.
Coding change: c.1140G>A on transcript NM_144643.4 (MANE Select); coding-DNA position 1140, G replaced by A.
Protein change: p.Lys380=; no amino-acid change (lysine 380 retained).
Molecular consequence: synonymous variant.
Genome position (GRCh38, 1-based): chr4:128,957,032, C>T on the plus strand (G>A on the coding strand, the complement: SCLT1 is on the minus strand). VCF-style: chr4-128957032-C-T. GRCh37 (hg19) VCF-style: chr4-129878187-C-T.
Other names: c.1140G>A, p.Lys380= (NM_001410807.1); c.1140G>A (NM_144643.3).
Identifiers: ClinVar variation 4968629 (VCV004968629.2).